The following is an entry in ClinVar:

NM_001135254.2(PAX7):c.737C>T (p.Thr246Ile)

Gene: PAX7 (paired box 7; plus strand). Cytogenetic location: 1p36.13.
Variant type: single nucleotide variant.
Coding change: c.737C>T on transcript NM_001135254.2 (MANE Select); coding-DNA position 737, C replaced by T.
Protein change: p.Thr246Ile; replaces threonine 246 with isoleucine.
Molecular consequence: missense variant.
Genome position (GRCh38, 1-based): chr1:18,691,904, C>T. VCF-style: chr1-18691904-C-T. GRCh37 (hg19) VCF-style: chr1-19018398-C-T.
Other names: c.737C>T, p.Thr246Ile (NM_002584.3); c.731C>T, p.Thr244Ile (NM_013945.3); short protein forms T244I, T246I.
Identifiers: ClinVar variation 5019964 (VCV005019964.2).

ClinVar aggregate classification (germline): Uncertain significance (1 of 4 stars; one submission).

Conditions:
Myopathy, congenital, progressive, with scoliosis. Also called: CONGENITAL MYOPATHY 19. Identifiers: MedGen C5231417, MONDO:0032821, OMIM 618578.
Alveolar rhabdomyosarcoma (RMS2). Also called: RHABDOMYOSARCOMA 2; Alveolar rhabdomyosarcoma (disease). Identifiers: Orphanet 780, Orphanet 99756, MedGen C0206655, MONDO:0009994, OMIM 268220, HP:0006779.

gnomAD v4.1: 1 of 1,614,022 alleles (0.000062%); highest among the groups gnomAD compares: Non-Finnish European, 0.000085%; no homozygotes.

Submission:

Juno Genomics, Hangzhou Juno Genomics, Inc
Classification: Uncertain significance for Myopathy, congenital, progressive, with scoliosis; Alveolar rhabdomyosarcoma. Review status: criteria provided, single submitter. Criteria: ACMG Guidelines, 2015. Collection method: clinical testing. Allele origin: germline.
Comment: Absent from controls (or at extremely low frequency if recessive) in Genome Aggregation Database.;Multiple lines of computational evidence support a deleterious effect on the gene or gene product.